The following is an entry in ClinVar:

ClinVar aggregate classification (germline): Uncertain significance (1 of 4 stars; one submission).

Conditions:
Fanconi anemia (FA). Also called: Fanconi's anemia. Identifiers: Orphanet 84, MedGen C0015625, MeSH D005199, MONDO:0019391.

Submission:

Labcorp Genetics (formerly Invitae), Labcorp
Classification: Uncertain significance for Fanconi anemia. Last evaluated: 2025-11-20. Review status: criteria provided, single submitter. Criteria: Invitae Variant Classification Sherloc (09022015). Collection method: clinical testing. Allele origin: germline.
Comment: This sequence change affects codon 106 of the FANCF mRNA. It is a 'silent' change, meaning that it does not change the encoded amino acid sequence of the FANCF protein. This variant is not present in population databases (gnomAD no frequency). This variant has not been reported in the literature in individuals affected with FANCF-related conditions. In summary, the available evidence is currently insufficient to determine the role of this variant in disease. Therefore, it has been classified as a Variant of Uncertain Significance.

NM_022725.4(FANCF):c.318A>G (p.Ala106=)

Gene: FANCF (FA complementation group F; minus strand). Cytogenetic location: 11p14.3.
Variant type: single nucleotide variant.
Coding change: c.318A>G on transcript NM_022725.4 (MANE Select); coding-DNA position 318, A replaced by G.
Protein change: p.Ala106=; no amino-acid change (alanine 106 retained).
Molecular consequence: synonymous variant.
Genome position (GRCh38, 1-based): chr11:22,625,493, T>C on the plus strand (A>G on the coding strand, the complement: FANCF is on the minus strand). VCF-style: chr11-22625493-T-C. GRCh37 (hg19) VCF-style: chr11-22647039-T-C.
Identifiers: ClinVar variation 4731607 (VCV004731607.1).